The following is an entry in ClinVar:

ClinVar aggregate classification (germline): Uncertain significance. Review status: criteria provided, multiple submitters, no conflicts (2 of 4 stars). 4 submissions from 4 submitters: Uncertain significance (4). Last evaluated 2025-01-13.

Conditions:
Autosomal recessive ataxia, Beauce type. Also called: Spinocerebellar ataxia, autosomal recessive 8; ATAXIA, RECESSIVE, OF BEAUCE; SYNE1 Deficiency; SYNE1-Related Autosomal Recessive Cerebellar Ataxia. Identifiers: Orphanet 88644, MedGen C1853116, MONDO:0012549, OMIM 610743.
Emery-Dreifuss muscular dystrophy 4, autosomal dominant (EDMD4). Also called: EMERY-DREIFUSS MUSCULAR DYSTROPHY 4 WITH VARIABLE FEATURES. Identifiers: Orphanet 261, MedGen C2751807, MONDO:0013071, OMIM 612998.

Allele frequency attached by ClinVar (database versions not stated): gnomAD exomes 0.00001 and 0.00002; ExAC 0.00002; TOPMed 0.00003.
gnomAD v4.1: 3 of 1,614,168 alleles (0.00019%); highest among the groups gnomAD compares: Admixed American, 0.005%; no homozygotes.

Submissions (4):

Labcorp Genetics (formerly Invitae), Labcorp
Classification: Uncertain significance for Emery-Dreifuss muscular dystrophy 4, autosomal dominant; Autosomal recessive ataxia, Beauce type. Last evaluated: 2025-01-13. Review status: criteria provided, single submitter. Criteria: Invitae Variant Classification Sherloc (09022015). Collection method: clinical testing. Allele origin: germline.
Comment: This sequence change replaces proline, which is neutral and non-polar, with leucine, which is neutral and non-polar, at codon 3364 of the SYNE1 protein (p.Pro3364Leu). This variant is present in population databases (rs748499952, gnomAD 0.009%). This variant has not been reported in the literature in individuals affected with SYNE1-related conditions. ClinVar contains an entry for this variant (Variation ID: 290501). An algorithm developed to predict the effect of missense changes on protein structure and function (PolyPhen-2) suggests that this variant is likely to be tolerated. In summary, the available evidence is currently insufficient to determine the role of this variant in disease. Therefore, it has been classified as a Variant of Uncertain Significance.

Revvity Omics, Revvity
Classification: Uncertain significance. Last evaluated: 2019-07-17. Review status: criteria provided, single submitter. Criteria: ACMG Guidelines, 2015. Collection method: clinical testing. Allele origin: germline.

Fulgent Genetics
Classification: Uncertain significance for Autosomal recessive ataxia, Beauce type; Emery-Dreifuss muscular dystrophy 4, autosomal dominant. Last evaluated: 2018-10-31. Review status: criteria provided, single submitter. Criteria: ACMG Guidelines, 2015. Collection method: clinical testing. Allele origin: unknown.

Eurofins Ntd Llc (ga)
Classification: Uncertain significance. Last evaluated: 2018-06-14. Review status: criteria provided, single submitter. Criteria: EGL ClinVar v180209 classification definitions. Collection method: clinical testing. Allele origin: germline. Observed: 2 variant alleles, 2 heterozygotes.

NM_182961.4(SYNE1):c.10070C>T (p.Pro3357Leu)

Gene: SYNE1 (spectrin repeat containing nuclear envelope protein 1; minus strand). Cytogenetic location: 6q25.2.
Variant type: single nucleotide variant.
Coding change: c.10070C>T on transcript NM_182961.4 (MANE Select); coding-DNA position 10070, C replaced by T.
Protein change: p.Pro3357Leu; replaces proline 3357 with leucine.
Molecular consequence: missense variant.
Genome position (GRCh38, 1-based): chr6:152,364,922, G>A on the plus strand (C>T on the coding strand, the complement: SYNE1 is on the minus strand). VCF-style: chr6-152364922-G-A. GRCh37 (hg19) VCF-style: chr6-152686057-G-A.
Other names: c.10091C>T (NM_033071.3); c.10091C>T, p.Pro3364Leu (NM_033071.5); short protein forms P3364L, P3357L.
Identifiers: ClinVar variation 290501 (VCV000290501.13), dbSNP rs748499952, ClinGen allele CA4057085.
Genomic context (GRCh38, chr6:152,364,922, plus strand): 5'-CCTGCAGACAAAAGGGATGCCCACATATCCTTCACACTCTGCAGCTGCTGCTGAATAGTG[G>A]GAATGCCTTCTGGAGAAGTATTCTGAAGGACAGATTCTCCCCTGGTCACTATCATTTTCA-3'
Protein context (NP_892006.3, residues 3347-3367): VLQNTSPEGI[Pro3357Leu]TIQQQLQSVK